The following is an entry in ClinVar:

ClinVar aggregate classification (germline): Uncertain significance. Review status: criteria provided, multiple submitters, no conflicts (2 of 4 stars). 8 submissions from 8 submitters: Uncertain significance (8). Last evaluated 2026-07-11.

Conditions:
MYBPC3-related disorder. Also called: MYBPC3-related condition; MYBPC3-related disease; MYBPC3-related disorders.
Cardiovascular phenotype. Identifiers: MedGen CN230736.
Cardiomyopathy (CMYO). Also called: Cardiomyopathies. Identifiers: Orphanet 167848, MedGen C0878544, MONDO:0004994, HP:0001638. Inheritance: Various modes of inheritance.
Hypertrophic cardiomyopathy. Also called: HYPERTROPHIC MYOCARDIOPATHY. Identifiers: Orphanet 217569, MedGen C0007194, MeSH D002312, MONDO:0005045, HP:0001639.

Allele frequency attached by ClinVar (database versions not stated): gnomAD exomes below 0.00001 and 0.00001; TOPMed 0.00004; gnomAD 0.00011.
gnomAD v4.1: 30 of 1,613,630 alleles (0.0019%); highest among the groups gnomAD compares: Middle Eastern, 0.033%; no homozygotes.

Submissions (8):

PreventionGenetics, part of Exact Sciences
Classification: Uncertain significance for MYBPC3-related condition. Last evaluated: 2026-07-11. Review status: criteria provided, single submitter. Criteria: ACMG Guidelines, 2015. Collection method: clinical testing. Allele origin: germline.
Comment: The MYBPC3 c.2011G>A variant is predicted to result in the amino acid substitution p.Val671Ile. This variant has been reported in individuals with hypertrophic or dilated cardiomyopathy (Table S2, Gómez et al. 2017. PubMed ID: 28356264; Supplementary data, Marschall et al. 2019. PubMed ID: 31737537; Table S8, McGurk et al. 2023. PubMed ID: 37652022). This variant is reported in 0.0029% of alleles in individuals of Latino descent in gnomAD. At this time, the clinical significance of this variant is uncertain due to the absence of conclusive functional and genetic evidence.

Labcorp Genetics (formerly Invitae), Labcorp
Classification: Uncertain significance for Hypertrophic cardiomyopathy. Last evaluated: 2025-05-06. Review status: criteria provided, single submitter. Criteria: Invitae Variant Classification Sherloc (09022015). Collection method: clinical testing. Allele origin: germline.
Comment: This sequence change replaces valine, which is neutral and non-polar, with isoleucine, which is neutral and non-polar, at codon 671 of the MYBPC3 protein (p.Val671Ile). This variant is present in population databases (no rsID available, gnomAD 0.003%). This missense change has been observed in individual(s) with dilated cardiomyopathy and/or hypertrophic cardiomyopathy (PMID: 28356264, 31737537, 37652022). ClinVar contains an entry for this variant (Variation ID: 228865). An algorithm developed to predict the effect of missense changes on protein structure and function (PolyPhen-2) suggests that this variant is likely to be disruptive. In summary, the available evidence is currently insufficient to determine the role of this variant in disease. Therefore, it has been classified as a Variant of Uncertain Significance.

Blueprint Genetics
Classification: Uncertain significance. Last evaluated: 2024-09-06. Review status: criteria provided, single submitter. Criteria: ACMG Guidelines, 2015. Collection method: clinical testing. Allele origin: germline.

All of Us Research Program, National Institutes of Health
Classification: Uncertain significance for Hypertrophic cardiomyopathy. Last evaluated: 2024-08-13. Review status: criteria provided, single submitter. Criteria: ACMG Guidelines, 2015. Collection method: clinical testing. Allele origin: germline. Inheritance: Autosomal dominant inheritance. Observed: 4 variant alleles, 4 heterozygotes.
Comment: This missense variant replaces valine with isoleucine at codon 671 of the MYBPC3 protein. Computational prediction tools and conservation analyses are inconclusive regarding the impact of this variant on the protein function. Computational splicing tools suggest that this variant may not impact RNA splicing. To our knowledge, functional assays have not been performed for this variant. This variant has been reported in individuals affected with hypertrophic cardiomyopathy (PMID: 28356264, 30696458). This variant has also been identified in 1/248852 chromosomes in the general population by the Genome Aggregation Database (gnomAD). Available evidence is insufficient to determine the role of this variant in disease conclusively. Therefore, this variant is classified as a Variant of Uncertain Significance.

This study involves interpretation of variants in research participants for the purpose of population health screening. Participant phenotype was not available at the time of variant classification. Additional details can be found in publication PMID: 35346344, PMCID: PMC8962531

Ambry Genetics
Classification: Uncertain significance for Cardiovascular phenotype. Last evaluated: 2024-04-23. Review status: criteria provided, single submitter. Criteria: Ambry Variant Classification Scheme 2023. Collection method: clinical testing. Allele origin: germline.
Comment: The p.V671I variant (also known as c.2011G>A), located in coding exon 21 of the MYBPC3 gene, results from a G to A substitution at nucleotide position 2011. The valine at codon 671 is replaced by isoleucine, an amino acid with highly similar properties. This variant was reported in a hypertrophic cardiomyopathy (HCM) cohort, detected in one individual who also had an MYL2 variant; however, clinical details were limited (G&oacute;mez J et al. Circ Cardiovasc Genet, 2017 Apr;10). This amino acid position is highly conserved in available vertebrate species. In addition, this alteration is predicted to be tolerated by in silico analysis. Since supporting evidence is limited at this time, the clinical significance of this alteration remains unclear.

Color Diagnostics, LLC DBA Color Health
Classification: Uncertain significance for Cardiomyopathy. Last evaluated: 2023-09-20. Review status: criteria provided, single submitter. Criteria: ACMG Guidelines, 2015. Collection method: clinical testing. Allele origin: germline.
Comment: This missense variant replaces valine with isoleucine at codon 671 of the MYBPC3 protein. Computational prediction suggests that this variant may not impact protein structure and function (internally defined REVEL score threshold <= 0.5, PMID: 27666373). To our knowledge, functional studies have not been reported for this variant. This variant has been reported in individuals affected with hypertrophic cardiomyopathy (PMID: 28356264, 30696458). This variant has been identified in 1/248852 chromosomes in the general population by the Genome Aggregation Database (gnomAD). The available evidence is insufficient to determine the role of this variant in disease conclusively. Therefore, this variant is classified as a Variant of Uncertain Significance.

Laboratory for Molecular Medicine, Mass General Brigham Personalized Medicine
Classification: Uncertain significance. Last evaluated: 2015-02-16. Review status: criteria provided, single submitter. Criteria: LMM Criteria. Collection method: clinical testing. Allele origin: germline. Observed: 1 variant allele.
Comment: The p.Val671Ile variant in MYBPC3 has not been previously reported in individual s with cardiomyopathy or in large population studies. Computational prediction t ools and conservation analysis suggest that the p.Val671Ile variant may impact t he protein, though this information is not predictive enough to determine pathog enicity. In summary, the clinical significance of the p.Val671Ile variant is unc ertain.

Stanford Center for Inherited Cardiovascular Disease, Stanford University
Classification: Uncertain significance. Last evaluated: 2012-01-09. Review status: criteria provided, single submitter. Criteria: ACMG Guidelines, 2015. Collection method: provider interpretation. Allele origin: germline.

Literature cited by the submitters: PubMed 28356264 (cited by 4 submitters); PubMed 31737537 (cited by Labcorp Genetics (formerly Invitae), Labcorp); PubMed 37652022 (cited by Labcorp Genetics (formerly Invitae), Labcorp); PubMed 30696458 (cited by All of Us Research Program, National Institutes of Health and Color Diagnostics, LLC DBA Color Health).

NM_000256.3(MYBPC3):c.2011G>A (p.Val671Ile)

Gene: MYBPC3 (myosin binding protein C3; minus strand). Cytogenetic location: 11p11.2.
Variant type: single nucleotide variant.
Coding change: c.2011G>A on transcript NM_000256.3 (MANE Select); coding-DNA position 2011, G replaced by A.
Protein change: p.Val671Ile; replaces valine 671 with isoleucine.
Molecular consequence: missense variant.
Genome position (GRCh38, 1-based): chr11:47,339,707, C>T on the plus strand (G>A on the coding strand, the complement: MYBPC3 is on the minus strand). VCF-style: chr11-47339707-C-T. GRCh37 (hg19) VCF-style: chr11-47361258-C-T.
Other names: short protein forms V671I.
Identifiers: ClinVar variation 228865 (VCV000228865.26), dbSNP rs876657869, ClinGen allele CA10576889.
Genomic context (GRCh38, chr11:47,339,707, plus strand): 5'-GTACCTGCGTGATAGCCTTCTGCCAGATCACAGTGGGAGCAGGGTCCCCAGAGATAGGGA[C>T]GTCCAGACGTAGCTTATTTCCAGCTACAACCACAATGGTGTCTGGTATGCGGCCTGGGCA-3'
Protein context (NP_000247.2, residues 661-681): VVAGNKLRLD[Val671Ile]PISGDPAPTV